The following is an entry in ClinVar:

NM_001111.5(ADAR):c.478G>C (p.Asp160His)

Gene: ADAR (adenosine deaminase RNA specific; minus strand). Cytogenetic location: 1q21.3.
Variant type: single nucleotide variant.
Coding change: c.478G>C on transcript NM_001111.5 (MANE Select); coding-DNA position 478, G replaced by C.
Protein change: p.Asp160His; replaces aspartic acid 160 with histidine.
Molecular consequence: missense variant. On other transcripts: 5 prime UTR variant (6).
Genome position (GRCh38, 1-based): chr1:154,602,164, C>G on the plus strand (G>C on the coding strand, the complement: ADAR is on the minus strand). VCF-style: chr1-154602164-C-G. GRCh37 (hg19) VCF-style: chr1-154574640-C-G.
Other names: c.-408G>C (NM_001025107.3, NM_001193495.2, NM_001365046.1 and 3 more transcripts); c.505G>C, p.Asp169His (NM_001365045.1); c.478G>C, p.Asp160His (NM_015840.4, NM_015841.4); short protein forms D160H, D169H.
Identifiers: ClinVar variation 1975839 (VCV001975839.5), dbSNP rs1198696359, ClinGen allele CA342602188.

ClinVar aggregate classification (germline): Uncertain significance (1 of 4 stars; one submission).

Conditions:
Symmetrical dyschromatosis of extremities (DSH). Also called: Dyschromatosis symmetrica hereditaria; RETICULATE ACROPIGMENTATION OF DOHI; SYMMETRIC DYSCHROMATOSIS OF THE EXTREMITIES; DYSCHROMATOSIS SYMMETRICA HEREDITARIA 1. Identifiers: Orphanet 41, MedGen C0406775, MONDO:0007483, OMIM 127400.
Aicardi-Goutieres syndrome 6 (AGS6). Identifiers: Orphanet 51, MedGen C3539013, MONDO:0014007, OMIM 615010.

Allele frequency attached by ClinVar (database versions not stated): gnomAD exomes below 0.00001.
gnomAD v4.1: 1 of 1,614,208 alleles (0.000062%); highest among the groups gnomAD compares: Non-Finnish European, 0.000085%; no homozygotes.

Submission:

Labcorp Genetics (formerly Invitae), Labcorp
Classification: Uncertain significance for Aicardi-Goutieres syndrome 6; Symmetrical dyschromatosis of extremities. Last evaluated: 2024-08-29. Review status: criteria provided, single submitter. Criteria: Invitae Variant Classification Sherloc (09022015). Collection method: clinical testing. Allele origin: germline.
Comment: This sequence change replaces aspartic acid, which is acidic and polar, with histidine, which is basic and polar, at codon 160 of the ADAR protein (p.Asp160His). This variant is not present in population databases (gnomAD no frequency). This variant has not been reported in the literature in individuals affected with ADAR-related conditions. ClinVar contains an entry for this variant (Variation ID: 1975839). An algorithm developed to predict the effect of missense changes on protein structure and function (PolyPhen-2) suggests that this variant is likely to be disruptive. In summary, the available evidence is currently insufficient to determine the role of this variant in disease. Therefore, it has been classified as a Variant of Uncertain Significance.